The following is an entry in ClinVar:

ClinVar aggregate classification (germline): Uncertain significance (1 of 4 stars; one submission).

Conditions:
Episodic ataxia type 1 (EA1). Also called: Episodic ataxia/myokymia syndrome; ATAXIA, EPISODIC, WITH MYOKYMIA; MYOKYMIA WITH PERIODIC ATAXIA; PAROXYSMAL ATAXIA WITH NEUROMYOTONIA, HEREDITARY. Identifiers: Orphanet 37612, Orphanet 972, MedGen C1719788, MONDO:0008047, OMIM 160120.

Allele frequency attached by ClinVar (database versions not stated): TOPMed below 0.00001; gnomAD 0.00001; gnomAD exomes 0.00001; ExAC 0.00002; ESP Exome Variant Server 0.00008.

Submission:

Labcorp Genetics (formerly Invitae), Labcorp
Classification: Uncertain significance for Episodic ataxia type 1. Last evaluated: 2024-01-08. Review status: criteria provided, single submitter. Criteria: Invitae Variant Classification Sherloc (09022015). Collection method: clinical testing. Allele origin: germline.
Comment: This sequence change replaces cysteine, which is neutral and slightly polar, with glycine, which is neutral and non-polar, at codon 243 of the KCNA1 protein (p.Cys243Gly). This variant is present in population databases (rs140659450, gnomAD 0.01%). This variant has not been reported in the literature in individuals affected with KCNA1-related conditions. ClinVar contains an entry for this variant (Variation ID: 2071452). Advanced modeling of protein sequence and biophysical properties (such as structural, functional, and spatial information, amino acid conservation, physicochemical variation, residue mobility, and thermodynamic stability) performed at Invitae indicates that this missense variant is expected to disrupt KCNA1 protein function with a positive predictive value of 80%. In summary, the available evidence is currently insufficient to determine the role of this variant in disease. Therefore, it has been classified as a Variant of Uncertain Significance.

NM_000217.3(KCNA1):c.727T>G (p.Cys243Gly)

Gene: KCNA1 (potassium voltage-gated channel subfamily A member 1; plus strand). Cytogenetic location: 12p13.32.
Variant type: single nucleotide variant.
Coding change: c.727T>G on transcript NM_000217.3 (MANE Select); coding-DNA position 727, T replaced by G.
Protein change: p.Cys243Gly; replaces cysteine 243 with glycine.
Molecular consequence: missense variant.
Genome position (GRCh38, 1-based): chr12:4,912,105, T>G. VCF-style: chr12-4912105-T-G. GRCh37 (hg19) VCF-style: chr12-5021271-T-G.
Other names: short protein forms C243G.
Identifiers: ClinVar variation 2071452 (VCV002071452.4), dbSNP rs140659450, ClinGen allele CA6399426.